The following is an entry in ClinVar:

ClinVar aggregate classification (germline): Benign. Review status: criteria provided, multiple submitters, no conflicts (2 of 4 stars). 3 submissions from 3 submitters: Benign (3). Last evaluated 2026-02-04.

Conditions:
Familial adenomatous polyposis 1 (FAP1). Also called: FAMILIAL ADENOMATOUS POLYPOSIS 1, ATTENUATED; POLYPOSIS, ADENOMATOUS INTESTINAL. Identifiers: MedGen C2713442, MONDO:0021056, OMIM 175100. Disease mechanism: loss of function.

Allele frequency attached by ClinVar (database versions not stated): gnomAD 0.01039 and 0.01117; gnomAD exomes 0.00145; TOPMed 0.01153; 1000 Genomes Project 30x 0.01327.

Submissions (3):

Labcorp Genetics (formerly Invitae), Labcorp
Classification: Benign for Familial adenomatous polyposis 1. Last evaluated: 2026-02-04. Review status: criteria provided, single submitter. Criteria: Invitae Variant Classification Sherloc (09022015). Collection method: clinical testing. Allele origin: germline.

Center for Genomic Medicine, Rigshospitalet, Copenhagen University Hospital
Classification: Benign. Last evaluated: 2025-03-04. Review status: criteria provided, single submitter. Criteria: ACMG Guidelines, 2015. Collection method: clinical testing. Allele origin: germline.

GeneDx
Classification: Benign. Last evaluated: 2017-10-06. Review status: criteria provided, single submitter. Criteria: GeneDx Variant Classification (06012015). Collection method: clinical testing. Allele origin: germline. Affected: yes.
Comment: This variant is considered likely benign or benign based on one or more of the following criteria: it is a conservative change, it occurs at a poorly conserved position in the protein, it is predicted to be benign by multiple in silico algorithms, and/or has population frequency not consistent with disease.

NC_000005.10:g.112707477del

Gene: APC (APC regulator of Wnt signaling pathway; plus strand). Cytogenetic location: 5q22.2.
Variant type: Deletion.
Genome position: GRCh38 VCF-style: chr5-112707476-CA-C. GRCh37 (hg19) VCF-style: chr5-112043173-CA-C.
Other names: c.-30467del (NM_000038.5); c.-241delA (NM_001354897.2).
Identifiers: ClinVar variation 516071 (VCV000516071.15), dbSNP rs201014315, ClinGen allele CA124924761.